The following is an entry in ClinVar:

NM_001244008.2(KIF1A):c.3910C>T (p.Arg1304Ter)

Gene: KIF1A (kinesin family member 1A; minus strand). Cytogenetic location: 2q37.3.
Variant type: single nucleotide variant.
Coding change: c.3910C>T on transcript NM_001244008.2 (MANE Select); coding-DNA position 3910, C replaced by T.
Protein change: p.Arg1304Ter; replaces arginine 1304 with a stop codon.
Molecular consequence: nonsense.
Genome position (GRCh38, 1-based): chr2:240,737,160, G>A on the plus strand (C>T on the coding strand, the complement: KIF1A is on the minus strand). VCF-style: chr2-240737160-G-A. GRCh37 (hg19) VCF-style: chr2-241676577-G-A.
Other names: c.3634C>T, p.Arg1212Ter (NM_001320705.2, NM_001330289.2, NM_001379638.1); c.3709C>T, p.Arg1237Ter (NM_001330290.2, NM_001379634.1, NM_001379635.1 and 1 more transcripts); c.3985C>T, p.Arg1329Ter (NM_001379631.1); c.3859C>T, p.Arg1287Ter (NM_001379632.1); c.3883C>T, p.Arg1295Ter (NM_001379633.1, NM_001379642.1, NM_001379645.1); c.3721C>T, p.Arg1241Ter (NM_001379636.1); c.3682C>T, p.Arg1228Ter (NM_001379637.1, NM_001379648.1); c.3607C>T, p.Arg1203Ter (NM_001379639.1, NM_001379641.1, NM_001379649.1 and 4 more transcripts); and 1 more; short protein forms R1203*, R1304*, R1212*, R1237*, R1202*, R1228*, R1241*, R1287*.
Identifiers: ClinVar variation 246113 (VCV000246113.2), dbSNP rs879254106, ClinGen allele CA10584190.
Genomic context (GRCh38, chr2:240,737,160, plus strand): 5'-GGATGTTGAGAGACAAGATGTTGGGGTCGATCAGGGACTCGTCGGTCTCTGGAGTGTTTC[G>A]GATGCGGCCTGCAGAAAAGGCAACGGGCCACAGGTCACTTCCCAGGGGGCAGGTGGGACC-3'

ClinVar aggregate classification (germline): Likely pathogenic (1 of 4 stars; one submission).

gnomAD v4.1: 2 of 1,613,376 alleles (0.00012%); highest among the groups gnomAD compares: South Asian, 0.0011%; no homozygotes.

Submission:

GeneDx
Classification: Likely pathogenic. Last evaluated: 2015-11-05. Review status: criteria provided, single submitter. Criteria: GeneDx Variant Classification (06012015). Collection method: clinical testing. Allele origin: germline. Affected: yes.
Comment: The R1203X variant in the KIF1A gene has not been reported previously as a pathogenic variant nor as a benign variant, to our knowledge. This variant is predicted to cause loss of normal protein function either through protein truncation or nonsense-mediated mRNA decay. The R1203X variant was not observed in approximately 6,100 individuals of European and African American ancestry in the NHLBI Exome Sequencing Project, indicating it is not a common benign variant in these populations. The R1203X variant is a strong candidate for a pathogenic variant, however the possibility it may be a rare benign variant cannot be excluded.